The following is an entry in ClinVar:

ClinVar aggregate classification (germline): Pathogenic (1 of 4 stars; one submission).

Conditions:
Neuromuscular disease caused by qualitative or quantitative defects of dysferlin. Also called: Qualitative or quantitative defects of dysferlin; Dysferlinopathy. Identifiers: Orphanet 207073, MedGen C2931687, MONDO:0016145.

Submission:

Labcorp Genetics (formerly Invitae), Labcorp
Classification: Pathogenic for Neuromuscular disease caused by qualitative or quantitative defects of dysferlin. Last evaluated: 2021-01-10. Review status: criteria provided, single submitter. Criteria: Invitae Variant Classification Sherloc (09022015). Collection method: clinical testing. Allele origin: germline.
Comment: Algorithms developed to predict the effect of sequence changes on RNA splicing suggest that this variant may create or strengthen a splice site, but this prediction has not been confirmed by published transcriptional studies. For these reasons, this variant has been classified as Pathogenic. This variant has not been reported in the literature in individuals with DYSF-related conditions. This variant is not present in population databases (ExAC no frequency). This sequence change creates a premature translational stop signal (p.Glu951*) in the DYSF gene. It is expected to result in an absent or disrupted protein product. Loss-of-function variants in DYSF are known to be pathogenic (PMID: 17698709, 20301480).

Literature cited by the submitters: PubMed 17698709; PubMed 20301480.

NM_001130987.2(DYSF):c.2905G>T (p.Glu969Ter)

Gene: DYSF (dysferlin; plus strand). Cytogenetic location: 2p13.2.
Variant type: single nucleotide variant.
Coding change: c.2905G>T on transcript NM_001130987.2 (MANE Select); coding-DNA position 2905, G replaced by T.
Protein change: p.Glu969Ter; replaces glutamic acid 969 with a stop codon.
Molecular consequence: nonsense.
Genome position (GRCh38, 1-based): chr2:71,569,860, G>T. VCF-style: chr2-71569860-G-T. GRCh37 (hg19) VCF-style: chr2-71796990-G-T.
Other names: c.2854G>T, p.Glu952Ter (NM_001130455.2, NM_001130983.2); c.2809G>T, p.Glu937Ter (NM_001130976.2, NM_001130977.2); c.2851G>T, p.Glu951Ter (NM_001130978.2, NM_003494.4); c.2944G>T, p.Glu982Ter (NM_001130979.2); c.2902G>T, p.Glu968Ter (NM_001130980.2, NM_001130981.2); c.2947G>T, p.Glu983Ter (NM_001130982.2); c.2812G>T, p.Glu938Ter (NM_001130984.2, NM_001130986.2); c.2905G>T, p.Glu969Ter (NM_001130985.2); short protein forms E937*, E968*, E983*, E938*, E982*, E951*, E952*, E969*.
Identifiers: ClinVar variation 1406762 (VCV001406762.6), dbSNP rs2152813970, ClinGen allele CA347215983.